The following is an entry in ClinVar:

ClinVar aggregate classification (germline): Uncertain significance (1 of 4 stars; one submission).

Conditions:
Neuronal ceroid lipofuscinosis. Also called: Neuronal Ceroid Lipofuscinoses. Identifiers: Orphanet 216, Orphanet 79263, MedGen C0027877, MONDO:0016295. Disease mechanism: loss of function.

Submission:

Labcorp Genetics (formerly Invitae), Labcorp
Classification: Uncertain significance for Neuronal ceroid lipofuscinosis. Last evaluated: 2022-03-06. Review status: criteria provided, single submitter. Criteria: Invitae Variant Classification Sherloc (09022015). Collection method: clinical testing. Allele origin: germline.
Comment: This sequence change replaces aspartic acid, which is acidic and polar, with valine, which is neutral and non-polar, at codon 65 of the CLN8 protein (p.Asp65Val). This variant is not present in population databases (gnomAD no frequency). This variant has not been reported in the literature in individuals affected with CLN8-related conditions. Advanced modeling of protein sequence and biophysical properties (such as structural, functional, and spatial information, amino acid conservation, physicochemical variation, residue mobility, and thermodynamic stability) performed at Invitae indicates that this missense variant is expected to disrupt CLN8 protein function. In summary, the available evidence is currently insufficient to determine the role of this variant in disease. Therefore, it has been classified as a Variant of Uncertain Significance.

NM_018941.4(CLN8):c.194A>T (p.Asp65Val)

Gene: CLN8 (CLN8 transmembrane ER and ERGIC protein; plus strand). Cytogenetic location: 8p23.3.
Variant type: single nucleotide variant.
Coding change: c.194A>T on transcript NM_018941.4 (MANE Select); coding-DNA position 194, A replaced by T.
Protein change: p.Asp65Val; replaces aspartic acid 65 with valine.
Molecular consequence: missense variant.
Genome position (GRCh38, 1-based): chr8:1,771,248, A>T. VCF-style: chr8-1771248-A-T. GRCh37 (hg19) VCF-style: chr8-1719414-A-T.
Other names: short protein forms D65V.
Identifiers: ClinVar variation 1977004 (VCV001977004.2), dbSNP rs2486439069, ClinGen allele CA369953066.